The following is an entry in ClinVar:

ClinVar aggregate classification (germline): Uncertain significance. Review status: criteria provided, multiple submitters, no conflicts (2 of 4 stars). 2 submissions from 2 submitters: Uncertain significance (2). Last evaluated 2024-02-29.

Conditions:
Brody myopathy. Also called: BRODY DISEASE. Identifiers: Orphanet 53347, MedGen C1832918, MONDO:0010977, OMIM 601003.

Allele frequency attached by ClinVar (database versions not stated): gnomAD 0.00001; gnomAD exomes 0.00001 and 0.00002; ExAC 0.00002; TOPMed 0.00003.
gnomAD v4.1: 12 of 1,614,050 alleles (0.00074%); highest among the groups gnomAD compares: East Asian, 0.0045%; no homozygotes.

Submissions (2):

GeneDx
Classification: Uncertain significance. Last evaluated: 2024-02-29. Review status: criteria provided, single submitter. Criteria: GeneDx Variant Classification Process June 2021. Collection method: clinical testing. Allele origin: germline. Affected: yes.
Comment: Not observed at significant frequency in large population cohorts (gnomAD); In silico analysis supports that this missense variant has a deleterious effect on protein structure/function; Has not been previously published as pathogenic or benign to our knowledge

Labcorp Genetics (formerly Invitae), Labcorp
Classification: Uncertain significance for Brody myopathy. Last evaluated: 2022-09-12. Review status: criteria provided, single submitter. Criteria: Invitae Variant Classification Sherloc (09022015). Collection method: clinical testing. Allele origin: germline.
Comment: This sequence change replaces arginine, which is basic and polar, with tryptophan, which is neutral and slightly polar, at codon 556 of the ATP2A1 protein (p.Arg556Trp). This variant is present in population databases (rs760705868, gnomAD 0.01%). This variant has not been reported in the literature in individuals affected with ATP2A1-related conditions. ClinVar contains an entry for this variant (Variation ID: 952657). Algorithms developed to predict the effect of missense changes on protein structure and function are either unavailable or do not agree on the potential impact of this missense change (SIFT: "Deleterious"; PolyPhen-2: "Possibly Damaging"; Align-GVGD: "Class C0"). In summary, the available evidence is currently insufficient to determine the role of this variant in disease. Therefore, it has been classified as a Variant of Uncertain Significance.

NM_004320.6(ATP2A1):c.1666C>T (p.Arg556Trp)

Gene: ATP2A1 (ATPase sarcoplasmic/endoplasmic reticulum Ca2+ transporting 1; plus strand). Cytogenetic location: 16p11.2.
Variant type: single nucleotide variant.
Coding change: c.1666C>T on transcript NM_004320.6 (MANE Select); coding-DNA position 1666, C replaced by T.
Protein change: p.Arg556Trp; replaces arginine 556 with tryptophan.
Molecular consequence: missense variant.
Genome position (GRCh38, 1-based): chr16:28,898,353, C>T. VCF-style: chr16-28898353-C-T. GRCh37 (hg19) VCF-style: chr16-28909674-C-T.
Other names: c.1291C>T, p.Arg431Trp (NM_001286075.2); c.1666C>T, p.Arg556Trp (NM_173201.5); short protein forms R431W, R556W.
Identifiers: ClinVar variation 952657 (VCV000952657.8), dbSNP rs760705868, ClinGen allele CA7987047.
Genomic context (GRCh38, chr16:28,898,353, plus strand): 5'-CCACTGACGGGGCCGGTGAAGGAAAAGATCATGGCGGTGATCAAGGAGTGGGGCACTGGC[C>T]GGGACACCCTGCGCTGCTTGGCCCTGGCCACCCGGGACACCCCCCCGAAGCGAGAGGAAA-3'
Protein context (NP_004311.1, residues 546-566): MAVIKEWGTG[Arg556Trp]DTLRCLALAT